The following is an entry in ClinVar:

NM_006929.5(SKIC2):c.90G>A (p.Trp30Ter)

Gene: SKIC2 (SKI2 subunit of superkiller complex; plus strand). Cytogenetic location: 6p21.33.
Variant type: single nucleotide variant.
Coding change: c.90G>A on transcript NM_006929.5 (MANE Select); coding-DNA position 90, G replaced by A.
Protein change: p.Trp30Ter; replaces tryptophan 30 with a stop codon.
Molecular consequence: nonsense.
Genome position (GRCh38, 1-based): chr6:31,959,364, G>A. VCF-style: chr6-31959364-G-A. GRCh37 (hg19) VCF-style: chr6-31927141-G-A.
Other names: short protein forms W30*.
Identifiers: ClinVar variation 3726563 (VCV003726563.2).

ClinVar aggregate classification (germline): Pathogenic (1 of 4 stars; one submission).

gnomAD v4.1: 2 of 1,613,822 alleles (0.00012%); no homozygotes.

Submission:

Labcorp Genetics (formerly Invitae), Labcorp
Classification: Pathogenic. Last evaluated: 2025-01-01. Review status: criteria provided, single submitter. Criteria: Invitae Variant Classification Sherloc (09022015). Collection method: clinical testing. Allele origin: germline.
Comment: This sequence change creates a premature translational stop signal (p.Trp30*) in the SKIV2L gene. It is expected to result in an absent or disrupted protein product. Loss-of-function variants in SKIV2L are known to be pathogenic (PMID: 22444670). This variant is present in population databases (no rsID available, gnomAD 0.009%). This variant has not been reported in the literature in individuals affected with SKIV2L-related conditions. For these reasons, this variant has been classified as Pathogenic.

Literature cited by the submitters: PubMed 22444670.